The following is an entry in ClinVar:

ClinVar aggregate classification (germline): Pathogenic (1 of 4 stars; one submission).

Conditions:
Baller-Gerold syndrome (BGS). Also called: CRANIOSYNOSTOSIS WITH RADIAL DEFECTS. Identifiers: Orphanet 1225, MedGen C0265308, MONDO:0009039, OMIM 218600.

Submission:

Labcorp Genetics (formerly Invitae), Labcorp
Classification: Pathogenic for Baller-Gerold syndrome. Last evaluated: 2025-02-18. Review status: criteria provided, single submitter. Criteria: Invitae Variant Classification Sherloc (09022015). Collection method: clinical testing. Allele origin: germline.
Comment: This sequence change creates a premature translational stop signal (p.Glu301Glyfs*29) in the RECQL4 gene. It is expected to result in an absent or disrupted protein product. Loss-of-function variants in RECQL4 are known to be pathogenic (PMID: 12734318, 12952869). This variant is not present in population databases (gnomAD no frequency). This variant has not been reported in the literature in individuals affected with RECQL4-related conditions. For these reasons, this variant has been classified as Pathogenic.

Literature cited by the submitters: PubMed 12734318; PubMed 12952869.

NM_004260.4(RECQL4):c.901dup (p.Glu301fs)

Gene: RECQL4 (RecQ like helicase 4; minus strand). Cytogenetic location: 8q24.3.
Variant type: Duplication.
Coding change: c.901dup on transcript NM_004260.4 (MANE Select); coding-DNA position 901, one base duplicated (G; older notation c.901dupG).
Protein change: p.Glu301fs; shifts the reading frame from glutamic acid 301.
Molecular consequence: frameshift variant. On other transcripts: 5 prime UTR variant (17), non-coding transcript variant (3).
Genome position (GRCh38, 1-based): chr8:144,516,218, C duplicated on the plus strand (G on the coding strand, the reverse complement: RECQL4 is on the minus strand); the first of 4 consecutive C bases (chr8:144,516,218-144,516,221); duplicating any one gives the same sequence. VCF-style (leftmost placement, unchanged base first): chr8-144516217-T-TC. GRCh37 (hg19) VCF-style: chr8-145741601-T-TC.
Other names: c.901dup, p.Glu301fs (NM_001413017.1, NM_001413018.1, NM_001413019.1 and 4 more transcripts); c.-171dup (NM_001413021.1, NM_001413022.1, NM_001413023.1 and 7 more transcripts); c.772dup, p.Glu258fs (NM_001413025.1); c.-233dup (NM_001413027.1, NM_001413030.1, NM_001413031.1 and 2 more transcripts); c.550dup, p.Glu184fs (NM_001413029.1); c.-75dup (NM_001413034.1); c.-440dup (NM_001413043.1); short protein forms E184fs, E258fs, E301fs.
Identifiers: ClinVar variation 4805187 (VCV004805187.1).